The following is an entry in ClinVar:

ClinVar aggregate classification (germline): Uncertain significance. Review status: criteria provided, multiple submitters, no conflicts (2 of 4 stars). 2 submissions from 2 submitters: Uncertain significance (2). Last evaluated 2021-11-04.

Conditions:
Pierson syndrome. Also called: MICROCORIA-CONGENITAL NEPHROTIC SYNDROME. Identifiers: Orphanet 2670, MedGen C1836876, MONDO:0012184, OMIM 609049.
LAMB2-related infantile-onset nephrotic syndrome. Also called: NEPHROTIC SYNDROME, TYPE 5, WITHOUT OCULAR ABNORMALITIES; NEPHROTIC SYNDROME, TYPE 5, WITH OCULAR ABNORMALITIES; Nephrotic Syndrome, type 5. Identifiers: Orphanet 306507, MedGen C3280113, MONDO:0013621, OMIM 614199.

Allele frequency attached by ClinVar (database versions not stated): gnomAD 0.00004 and 0.00005; TOPMed 0.00004; gnomAD exomes 0.00005 and 0.00007; ExAC 0.00007; 1000 Genomes Project 30x 0.00016; 1000 Genomes Project 0.00020.
gnomAD v4.1: 85 of 1,614,062 alleles (0.0053%); highest among the groups gnomAD compares: South Asian, 0.026%; no homozygotes.

Submissions (2):

Fulgent Genetics
Classification: Uncertain significance for Pierson syndrome; LAMB2-related infantile-onset nephrotic syndrome. Last evaluated: 2021-11-04. Review status: criteria provided, single submitter. Criteria: ACMG Guidelines, 2015. Collection method: clinical testing. Allele origin: unknown.

Labcorp Genetics (formerly Invitae), Labcorp
Classification: Uncertain significance for LAMB2-related infantile-onset nephrotic syndrome; Pierson syndrome. Last evaluated: 2017-03-23. Review status: criteria provided, single submitter. Criteria: Invitae Variant Classification Sherloc (09022015). Collection method: clinical testing. Allele origin: germline.
Comment: This sequence change replaces arginine with cysteine at codon 746 of the LAMB2 protein (p.Arg746Cys). The arginine residue is highly conserved and there is a large physicochemical difference between arginine and cysteine. This variant is present in population databases (rs200658738, ExAC 0.04%) but has not been reported in the literature in individuals with a LAMB2-related disease. Algorithms developed to predict the effect of missense changes on protein structure and function (SIFT, PolyPhen-2, Align-GVGD) all suggest that this variant is likely to be disruptive, but these predictions have not been confirmed by published functional studies. In summary, this variant is a rare missense change with uncertain impact on protein function. There is no indication that it causes disease, but the available evidence is currently insufficient to prove that conclusively. Therefore, it has been classified as a Variant of Uncertain Significance.

NM_002292.4(LAMB2):c.2236C>T (p.Arg746Cys)

Gene: LAMB2 (laminin subunit beta 2; minus strand). Cytogenetic location: 3p21.31.
Variant type: single nucleotide variant.
Coding change: c.2236C>T on transcript NM_002292.4 (MANE Select); coding-DNA position 2236, C replaced by T.
Protein change: p.Arg746Cys; replaces arginine 746 with cysteine.
Molecular consequence: missense variant.
Genome position (GRCh38, 1-based): chr3:49,126,075, G>A on the plus strand (C>T on the coding strand, the complement: LAMB2 is on the minus strand). VCF-style: chr3-49126075-G-A. GRCh37 (hg19) VCF-style: chr3-49163508-G-A.
Other names: short protein forms R746C.
Identifiers: ClinVar variation 472471 (VCV000472471.2), dbSNP rs200658738, ClinGen allele CA2394352.